The following is an entry in ClinVar:

NM_006767.4(LZTR1):c.2356C>A (p.Leu786Met)

Gene: LZTR1 (leucine zipper like post translational regulator 1; plus strand). Cytogenetic location: 22q11.21.
Variant type: single nucleotide variant.
Coding change: c.2356C>A on transcript NM_006767.4 (MANE Select); coding-DNA position 2356, C replaced by A.
Protein change: p.Leu786Met; replaces leucine 786 with methionine.
Molecular consequence: missense variant.
Genome position (GRCh38, 1-based): chr22:20,996,916, C>A. VCF-style: chr22-20996916-C-A. GRCh37 (hg19) VCF-style: chr22-21351205-C-A.
Other names: short protein forms L786M.
Identifiers: ClinVar variation 3238235 (VCV003238235.1), dbSNP rs2518626042.
Genomic context (GRCh38, chr22:20,996,916, plus strand): 5'-GGCAGCGCCTCAAGGTCCCTGCCATTGCAGATCCTGGAGGCAGCTGACAAAACGCAGGCA[C>A]TGGACATGAAGCGGCACTGCCTGCACATCATTGTGCACCAGTTCACCAAGGTCAGGGCTC-3'
Protein context (NP_006758.2, residues 776-796): ILEAADKTQA[Leu786Met]DMKRHCLHII

ClinVar aggregate classification (germline): Uncertain significance (1 of 4 stars; one submission).

Conditions:
Hereditary cancer-predisposing syndrome. Also called: Neoplastic Syndromes, Hereditary; Tumor predisposition; Hereditary neoplastic syndrome; Hereditary Cancer Syndrome. Identifiers: Orphanet 140162, MedGen C0027672, MeSH D009386, MONDO:0015356.
Cardiovascular phenotype. Identifiers: MedGen CN230736.

Submission:

Ambry Genetics
Classification: Uncertain significance for Cardiovascular phenotype; Hereditary cancer-predisposing syndrome. Last evaluated: 2024-01-17. Review status: criteria provided, single submitter. Criteria: Ambry Variant Classification Scheme 2023. Collection method: clinical testing. Allele origin: germline.
Comment: The p.L786M variant (also known as c.2356C>A), located in coding exon 20 of the LZTR1 gene, results from a C to A substitution at nucleotide position 2356. The leucine at codon 786 is replaced by methionine, an amino acid with highly similar properties. This amino acid position is conserved. In addition, this alteration is predicted to be tolerated by in silico analysis. Based on the available evidence, the clinical significance of this alteration remains unclear.